The following is an entry in ClinVar:

ClinVar aggregate classification (germline): Benign/Likely benign. Review status: criteria provided, multiple submitters, no conflicts (2 of 4 stars). 2 submissions from 2 submitters: Benign (1); Likely benign (1). Last evaluated 2019-01-10.

Conditions:
Charcot-Marie-Tooth disease type 4B2. Also called: Charcot-Marie-Tooth Neuropathy Type 4B2; CHARCOT-MARIE-TOOTH DISEASE, WITH FOCALLY FOLDED MYELIN SHEATHS, AUTOSOMAL RECESSIVE, TYPE 4B2; CMT 4B2; CHARCOT-MARIE-TOOTH DISEASE, DEMYELINATING, TYPE 4B2. Identifiers: Orphanet 99956, MedGen C1858278, MONDO:0011475, OMIM 604563.

Allele frequency attached by ClinVar (database versions not stated): gnomAD exomes 0.00093; gnomAD 0.00804 and 0.00872; TOPMed 0.00924; 1000 Genomes Project 0.00938; 1000 Genomes Project 30x 0.01015.
gnomAD v4.1: 1,727 of 666,750 alleles (0.26%); highest among the groups gnomAD compares: African/African-American, 2.8%; 21 homozygotes.

Submissions (2):

GeneDx
Classification: Likely benign. Last evaluated: 2019-01-10. Review status: criteria provided, single submitter. Criteria: GeneDx Variant Classification Process June 2021. Collection method: clinical testing. Allele origin: germline. Affected: yes.

Illumina Laboratory Services, Illumina
Classification: Benign for Charcot-Marie-Tooth disease type 4B2. Last evaluated: 2018-01-12. Review status: criteria provided, single submitter. Criteria: ICSL Variant Classification Criteria 13 December 2019. Collection method: clinical testing. Allele origin: germline.
Comment: This variant was observed in the ICSL laboratory as part of a predisposition screen in an ostensibly healthy population. It had not been previously curated by ICSL or reported in the Human Gene Mutation Database (HGMD: prior to June 1st, 2018), and was therefore a candidate for classification through an automated scoring system. Utilizing variant allele frequency, disease prevalence and penetrance estimates, and inheritance mode, an automated score was calculated to assess if this variant is too frequent to cause the disease. Based on the score and internal cut-off values, a variant classified as benign is not then subjected to further curation. The score for this variant resulted in a classification of benign for this disease.

NM_030962.4(SBF2):c.*177A>C

Genes: SBF2-AS1 (SBF2 antisense RNA 1; plus strand), SBF2 (SET binding factor 2; minus strand). Cytogenetic location: 11p15.4.
Variant type: single nucleotide variant.
Coding change: c.*177A>C on transcript NM_030962.4 (MANE Select); 177 bases downstream of the stop codon, A replaced by C.
Molecular consequence: 3 prime UTR variant.
Genome position (GRCh38, 1-based): chr11:9,780,241, T>G on the plus strand (A>C on the coding strand, the complement: SBF2 is on the minus strand). VCF-style: chr11-9780241-T-G. GRCh37 (hg19) VCF-style: chr11-9801788-T-G.
Other names: c.*177A>C (NM_001386339.1, NM_001386342.1).
Identifiers: ClinVar variation 306569 (VCV000306569.8), dbSNP rs192542785, ClinGen allele CA10631789.